The following is an entry in ClinVar:

NM_000901.5(NR3C2):c.1790C>G (p.Ser597Ter)

Gene: NR3C2 (nuclear receptor subfamily 3 group C member 2; minus strand). Cytogenetic location: 4q31.23.
Variant type: single nucleotide variant.
Coding change: c.1790C>G on transcript NM_000901.5 (MANE Select); coding-DNA position 1790, C replaced by G.
Protein change: p.Ser597Ter; replaces serine 597 with a stop codon.
Molecular consequence: nonsense. On other transcripts: non-coding transcript variant (1).
Genome position (GRCh38, 1-based): chr4:148,260,085, G>C on the plus strand (C>G on the coding strand, the complement: NR3C2 is on the minus strand). VCF-style: chr4-148260085-G-C. GRCh37 (hg19) VCF-style: chr4-149181237-G-C.
Other names: c.1790C>G, p.Ser597Ter (NM_001166104.2, NM_001354819.1, NM_001437654.1 and 4 more transcripts); short protein forms S597*.
Identifiers: ClinVar variation 5002472 (VCV005002472.1).

ClinVar aggregate classification (germline): Likely pathogenic (1 of 4 stars; one submission).

Conditions:
NR3C2-related disorder. Also called: NR3C2-related disorders; NR3C2-related condition.

Submission:

PreventionGenetics, part of Exact Sciences
Classification: Likely pathogenic for NR3C2-related condition. Last evaluated: 2025-04-24. Review status: criteria provided, single submitter. Criteria: ACMG Guidelines, 2015. Collection method: clinical testing. Allele origin: germline.
Comment: The NR3C2 c.1790C>G variant is predicted to result in premature protein termination (p.Ser597*). To our knowledge, this variant has not been reported in the literature or in a large population database (gnomAD), indicating this variant is rare. Nonsense variants in NR3C2 are expected to be pathogenic. This variant is interpreted as likely pathogenic.